The following is an entry in ClinVar:

ClinVar aggregate classification (germline): Uncertain significance. Review status: criteria provided, multiple submitters, no conflicts (2 of 4 stars). 4 submissions from 4 submitters: Uncertain significance (4). Last evaluated 2024-05-15.

Conditions:
Autosomal recessive limb-girdle muscular dystrophy type 2J (LGMDR10). Also called: MUSCULAR DYSTROPHY, LIMB-GIRDLE, AUTOSOMAL RECESSIVE 10; Limb-girdle muscular dystrophy, type 2J. Identifiers: Orphanet 140922, MedGen C1837342, MONDO:0012127, OMIM 608807.
Dilated cardiomyopathy 1G (CMD1G). Identifiers: Orphanet 154, MedGen C1858763, MONDO:0011400, OMIM 604145.

Allele frequency attached by ClinVar (database versions not stated): gnomAD 0.00001 and 0.00002; TOPMed 0.00001; gnomAD exomes 0.00002; ExAC 0.00003; 1000 Genomes Project 0.00020; 1000 Genomes Project 30x 0.00047.
gnomAD v4.1: 20 of 1,611,418 alleles (0.0012%); highest among the groups gnomAD compares: Non-Finnish European, 0.0017%; no homozygotes.

Submissions (4):

Labcorp Genetics (formerly Invitae), Labcorp
Classification: Uncertain significance for Dilated cardiomyopathy 1G; Autosomal recessive limb-girdle muscular dystrophy type 2J. Last evaluated: 2024-05-15. Review status: criteria provided, single submitter. Criteria: Invitae Variant Classification Sherloc (09022015). Collection method: clinical testing. Allele origin: germline.
Comment: This sequence change replaces isoleucine, which is neutral and non-polar, with methionine, which is neutral and non-polar, at codon 33935 of the TTN protein (p.Ile33935Met). This variant is present in population databases (rs76106451, gnomAD 0.004%). This variant has not been reported in the literature in individuals affected with TTN-related conditions. ClinVar contains an entry for this variant (Variation ID: 500225). Experimental studies and prediction algorithms are not available or were not evaluated, and the functional significance of this variant is currently unknown. This variant is located in the M band of TTN (PMID: 25589632). Non-truncating variants in this region may be relevant for neuromuscular disorders, but have not been definitively shown to cause cardiomyopathy (PMID: 23975875). In summary, the available evidence is currently insufficient to determine the role of this variant in disease. Therefore, it has been classified as a Variant of Uncertain Significance.

Revvity Omics, Revvity
Classification: Uncertain significance. Last evaluated: 2022-04-14. Review status: criteria provided, single submitter. Criteria: ACMG Guidelines, 2015. Collection method: clinical testing. Allele origin: germline.

GeneDx
Classification: Uncertain significance. Last evaluated: 2019-08-07. Review status: criteria provided, single submitter. Criteria: GeneDx Variant Classification Process June 2021. Collection method: clinical testing. Allele origin: germline. Affected: yes.

Eurofins Ntd Llc (ga)
Classification: Uncertain significance. Last evaluated: 2018-09-14. Review status: criteria provided, single submitter. Criteria: EGL ClinVar v180209 classification definitions. Collection method: clinical testing. Allele origin: germline. Observed: 5 variant alleles, 5 heterozygotes.

Literature cited by the submitters: PubMed 25589632 (cited by Labcorp Genetics (formerly Invitae), Labcorp); PubMed 23975875 (cited by Labcorp Genetics (formerly Invitae), Labcorp).

NM_001267550.2(TTN):c.101805T>G (p.Ile33935Met)

Genes: TTN-AS1 (TTN antisense RNA 1; plus strand), TTN (titin; minus strand). Cytogenetic location: 2q31.2.
Variant type: single nucleotide variant.
Coding change: c.101805T>G on transcript NM_001267550.2 (MANE Select); coding-DNA position 101805, T replaced by G.
Protein change: p.Ile33935Met; replaces isoleucine 33935 with methionine.
Molecular consequence: missense variant.
Genome position (GRCh38, 1-based): chr2:178,534,810, A>C on the plus strand (T>G on the coding strand, the complement: TTN is on the minus strand). VCF-style: chr2-178534810-A-C. GRCh37 (hg19) VCF-style: chr2-179399537-A-C.
Other names: c.96882T>G, p.Ile32294Met (NM_001256850.1); c.74610T>G, p.Ile24870Met (NM_003319.4); c.94101T>G, p.Ile31367Met (NM_133378.4); c.74985T>G, p.Ile24995Met (NM_133432.3); c.75186T>G, p.Ile25062Met (NM_133437.4); short protein forms I31367M, I33935M, I24870M, I24995M, I25062M, I32294M.
Identifiers: ClinVar variation 500225 (VCV000500225.16), dbSNP rs76106451, ClinGen allele CA1985838.